The following is an entry in ClinVar:

NM_138295.5(PKD1L1):c.2740_2741del (p.Leu914fs)

Gene: PKD1L1 (polycystin 1 like 1, transient receptor potential channel interacting; minus strand). Cytogenetic location: 7p12.3.
Variant type: Microsatellite.
Coding change: c.2740_2741del on transcript NM_138295.5 (MANE Select); coding-DNA positions 2740 to 2741, 2 bases deleted (CT; older notation c.2740_2741delCT).
Protein change: p.Leu914fs; shifts the reading frame from leucine 914.
Molecular consequence: frameshift variant.
Genome position (GRCh38, 1-based): chr7:47,888,085-47,888,086, AG deleted on the plus strand (CT on the coding strand, the reverse complement: PKD1L1 is on the minus strand); deleting any 2 consecutive bases within chr7:47,888,085-47,888,092 gives the same sequence; the c. name uses the placement nearest the transcript's 3' end. VCF-style (leftmost placement, unchanged base first): chr7-47888084-AAG-A. GRCh37 (hg19) VCF-style: chr7-47927682-AAG-A.
Other names: short protein forms L914fs.
Identifiers: ClinVar variation 2984918 (VCV002984918.3), dbSNP rs766993216, ClinGen allele CA4253632.

ClinVar aggregate classification (germline): Pathogenic (1 of 4 stars; one submission).

Submission:

Labcorp Genetics (formerly Invitae), Labcorp
Classification: Pathogenic. Last evaluated: 2023-04-03. Review status: criteria provided, single submitter. Criteria: Invitae Variant Classification Sherloc (09022015). Collection method: clinical testing. Allele origin: germline.
Comment: This sequence change creates a premature translational stop signal (p.Leu914Serfs*5) in the PKD1L1 gene. It is expected to result in an absent or disrupted protein product. Loss-of-function variants in PKD1L1 are known to be pathogenic (PMID: 27616478). This variant is present in population databases (rs766993216, gnomAD 0.02%). This variant has not been reported in the literature in individuals affected with PKD1L1-related conditions. For these reasons, this variant has been classified as Pathogenic.

Literature cited by the submitters: PubMed 27616478.